The following is an entry in ClinVar:

NM_021930.6(RINT1):c.804G>T (p.Glu268Asp)

Gene: RINT1 (RAD50 interactor 1; plus strand). Cytogenetic location: 7q22.3.
Variant type: single nucleotide variant.
Coding change: c.804G>T on transcript NM_021930.6 (MANE Select); coding-DNA position 804, G replaced by T.
Protein change: p.Glu268Asp; replaces glutamic acid 268 with aspartic acid.
Molecular consequence: missense variant. On other transcripts: 5 prime UTR variant (2), non-coding transcript variant (1), intron variant (1).
Genome position (GRCh38, 1-based): chr7:105,547,298, G>T. VCF-style: chr7-105547298-G-T. GRCh37 (hg19) VCF-style: chr7-105187745-G-T.
Other names: c.804G>T (NM_021930.5); c.570G>T, p.Glu190Asp (NM_001346599.2); c.-216G>T (NM_001346600.2); c.-119G>T (NM_001346601.2); c.-27-2757G>T (NM_001346603.2); short protein forms E190D, E268D.
Identifiers: ClinVar variation 856073 (VCV000856073.13), dbSNP rs1018470990, ClinGen allele CA164055514.
Genomic context (GRCh38, chr7:105,547,298, plus strand): 5'-ATCACAAACTGTTGGCTTAAGTCGACCTGCCAGTGCCCCGGAGATATACAGTTACCTGGA[G>T]ACACTGTTTTGTCAGCTTTTGAAACTACAAACCTCGTATCTTTGTTGCAGCTGAAAACTT-3'
Protein context (NP_068749.3, residues 258-278): ASAPEIYSYL[Glu268Asp]TLFCQLLKLQ

ClinVar aggregate classification (germline): Uncertain significance. Review status: criteria provided, multiple submitters, no conflicts (2 of 4 stars). 3 submissions from 3 submitters: Uncertain significance (3). Last evaluated 2026-02-20.

Conditions:
RINT1-related disorder. Also called: RINT1-related condition.

Allele frequency attached by ClinVar (database versions not stated): TOPMed 0.00001.
gnomAD v4.1: 4 of 1,614,068 alleles (0.00025%); highest among the groups gnomAD compares: Admixed American, 0.0017%; no homozygotes.

Submissions (3):

PreventionGenetics, part of Exact Sciences
Classification: Uncertain significance for RINT1-related condition. Last evaluated: 2026-02-20. Review status: criteria provided, single submitter. Criteria: ACMG Guidelines, 2015. Collection method: clinical testing. Allele origin: germline.
Comment: The RINT1 c.804G>T variant is predicted to result in the amino acid substitution p.Glu268Asp. To our knowledge, this variant has not been reported in the literature. This variant is reported in 0.0065% of alleles in individuals of European (Non-Finnish) descent in gnomAD. At this time, the clinical significance of this variant is uncertain due to the absence of conclusive functional and genetic evidence.

Ambry Genetics
Classification: Uncertain significance. Last evaluated: 2024-02-10. Review status: criteria provided, single submitter. Criteria: Ambry Variant Classification Scheme 2023. Collection method: clinical testing. Allele origin: germline.
Comment: The p.E268D variant (also known as c.804G>T), located in coding exon 6 of the RINT1 gene, results from a G to T substitution at nucleotide position 804. The glutamic acid at codon 268 is replaced by aspartic acid, an amino acid with highly similar properties. This amino acid position is conserved. In addition, this alteration is predicted to be tolerated by in silico analysis. Since supporting evidence is limited at this time, the clinical significance of this alteration remains unclear.

Labcorp Genetics (formerly Invitae), Labcorp
Classification: Uncertain significance. Last evaluated: 2022-03-17. Review status: criteria provided, single submitter. Criteria: Invitae Variant Classification Sherloc (09022015). Collection method: clinical testing. Allele origin: germline.
Comment: This sequence change replaces glutamic acid, which is acidic and polar, with aspartic acid, which is acidic and polar, at codon 268 of the RINT1 protein (p.Glu268Asp). In summary, the available evidence is currently insufficient to determine the role of this variant in disease. Therefore, it has been classified as a Variant of Uncertain Significance. Algorithms developed to predict the effect of missense changes on protein structure and function (SIFT, PolyPhen-2, Align-GVGD) all suggest that this variant is likely to be tolerated. ClinVar contains an entry for this variant (Variation ID: 856073). This variant has not been reported in the literature in individuals affected with RINT1-related conditions. This variant is present in population databases (no rsID available, gnomAD no frequency).